The following is an entry in ClinVar:

NM_058179.4(PSAT1):c.468G>A (p.Thr156=)

Gene: PSAT1 (phosphoserine aminotransferase 1; plus strand). Cytogenetic location: 9q21.2.
Variant type: single nucleotide variant.
Coding change: c.468G>A on transcript NM_058179.4 (MANE Select); coding-DNA position 468, G replaced by A.
Protein change: p.Thr156=; no amino-acid change (threonine 156 retained).
Molecular consequence: synonymous variant.
Genome position (GRCh38, 1-based): chr9:78,306,384, G>A. VCF-style: chr9-78306384-G-A. GRCh37 (hg19) VCF-style: chr9-80921300-G-A.
Other names: c.468G>A, p.Thr156= (NM_021154.5).
Identifiers: ClinVar variation 728437 (VCV000728437.34), dbSNP rs200962308, ClinGen allele CA5095637.

ClinVar aggregate classification (germline): Likely benign. Review status: criteria provided, multiple submitters, no conflicts (2 of 4 stars). 3 submissions from 3 submitters: Likely benign (3). Last evaluated 2025-09-08.

Conditions:
Neu-Laxova syndrome 2. Identifiers: Orphanet 2671, Orphanet 583602, MedGen C4015019, MONDO:0014466, OMIM 616038.

Allele frequency attached by ClinVar (database versions not stated): ExAC 0.00008; gnomAD 0.00009 and 0.00010; TOPMed 0.00016; gnomAD exomes 0.00017.
gnomAD v4.1: 198 of 1,613,552 alleles (0.012%); highest among the groups gnomAD compares: Middle Eastern, 0.16%; no homozygotes.

Submissions (3):

Labcorp Genetics (formerly Invitae), Labcorp
Classification: Likely benign for Neu-Laxova syndrome 2. Last evaluated: 2025-09-08. Review status: criteria provided, single submitter. Criteria: Invitae Variant Classification Sherloc (09022015). Collection method: clinical testing. Allele origin: germline.

Blueprint Genetics
Classification: Likely benign. Last evaluated: 2024-11-26. Review status: criteria provided, single submitter. Criteria: ACMG Guidelines, 2015. Collection method: clinical testing. Allele origin: germline.

CeGaT Center for Human Genetics Tuebingen
Classification: Likely benign. Last evaluated: 2023-11-01. Review status: criteria provided, single submitter. Criteria: CeGaT Center For Human Genetics Tuebingen Variant Classification Criteria Version 2. Collection method: clinical testing. Allele origin: germline. Affected: yes. Observed: 1 variant allele.
Comment: PSAT1: BP4, BP7